The following is an entry in ClinVar:

ClinVar aggregate classification (germline): Uncertain significance. Review status: criteria provided, multiple submitters, no conflicts (2 of 4 stars). 2 submissions from 2 submitters: Uncertain significance (2). Last evaluated 2024-06-27.

Conditions:
Cystic fibrosis (CF). Also called: MUCOVISCIDOSIS. Identifiers: Orphanet 586, MedGen C0010674, MONDO:0009061, OMIM 219700. Disease mechanism: loss of function.

Submissions (2):

Ambry Genetics
Classification: Uncertain significance for Cystic fibrosis. Last evaluated: 2024-06-27. Review status: criteria provided, single submitter. Criteria: Ambry Variant Classification Scheme 2023. Collection method: clinical testing. Allele origin: germline.
Comment: The p.T1076A variant (also known as c.3226A>G), located in coding exon 20 of the CFTR gene, results from an A to G substitution at nucleotide position 3226. The threonine at codon 1076 is replaced by alanine, an amino acid with similar properties. This amino acid position is conserved. In addition, the in silico prediction for this alteration is inconclusive. Based on the available evidence, the clinical significance of this variant remains unclear.

Labcorp Genetics (formerly Invitae), Labcorp
Classification: Uncertain significance for Cystic fibrosis. Last evaluated: 2023-02-10. Review status: criteria provided, single submitter. Criteria: Invitae Variant Classification Sherloc (09022015). Collection method: clinical testing. Allele origin: germline.
Comment: In summary, the available evidence is currently insufficient to determine the role of this variant in disease. Therefore, it has been classified as a Variant of Uncertain Significance. Advanced modeling of protein sequence and biophysical properties (such as structural, functional, and spatial information, amino acid conservation, physicochemical variation, residue mobility, and thermodynamic stability) performed at Invitae indicates that this missense variant is not expected to disrupt CFTR protein function. This variant has not been reported in the literature in individuals affected with CFTR-related conditions. This variant is not present in population databases (gnomAD no frequency). This sequence change replaces threonine, which is neutral and polar, with alanine, which is neutral and non-polar, at codon 1076 of the CFTR protein (p.Thr1076Ala).

NM_000492.4(CFTR):c.3226A>G (p.Thr1076Ala)

Genes: CFTR (CF transmembrane conductance regulator; plus strand), CFTR-AS2 (CFTR antisense RNA 2; minus strand), LOC111674472 (DNase I hypersensitive sites in introns 16 and 17a of CFTR; plus strand). Cytogenetic location: 7q31.2.
Variant type: single nucleotide variant.
Coding change: c.3226A>G on transcript NM_000492.4 (MANE Select); coding-DNA position 3226, A replaced by G.
Protein change: p.Thr1076Ala; replaces threonine 1076 with alanine.
Molecular consequence: missense variant.
Genome position (GRCh38, 1-based): chr7:117,611,667, A>G. VCF-style: chr7-117611667-A-G. GRCh37 (hg19) VCF-style: chr7-117251721-A-G.
Other names: short protein forms T1076A.
Identifiers: ClinVar variation 2919850 (VCV002919850.4), dbSNP rs2485130382, ClinGen allele CA368992160.